The following is an entry in ClinVar:

ClinVar aggregate classification (germline): Uncertain significance (1 of 4 stars; one submission).

Conditions:
Inborn genetic diseases. Identifiers: MedGen C0950123, MeSH D030342.

Submission:

Ambry Genetics
Classification: Uncertain significance for Inborn genetic diseases. Last evaluated: 2025-06-22. Review status: criteria provided, single submitter. Criteria: Ambry Variant Classification Scheme 2023. Collection method: clinical testing. Allele origin: germline.
Comment: The p.S193F variant (also known as c.578C>T), located in coding exon 3 of the ERCC6L2 gene, results from a C to T substitution at nucleotide position 578. The serine at codon 193 is replaced by phenylalanine, an amino acid with highly dissimilar properties. This amino acid position is conserved. In addition, this alteration is predicted to be tolerated by in silico analysis. Based on the available evidence, the clinical significance of this variant remains unclear.

NM_020207.7(ERCC6L2):c.578C>T (p.Ser193Phe)

Gene: ERCC6L2 (ERCC excision repair 6 like 2; plus strand). Cytogenetic location: 9q22.32.
Variant type: single nucleotide variant.
Coding change: c.578C>T on transcript NM_020207.7 (MANE Select); coding-DNA position 578, C replaced by T.
Protein change: p.Ser193Phe; replaces serine 193 with phenylalanine.
Molecular consequence: missense variant. On other transcripts: non-coding transcript variant (1).
Genome position (GRCh38, 1-based): chr9:95,897,955, C>T. VCF-style: chr9-95897955-C-T. GRCh37 (hg19) VCF-style: chr9-98660237-C-T.
Other names: c.578C>T, p.Ser193Phe (NM_001010895.4, NM_001375291.1, NM_001375292.1 and 2 more transcripts); short protein forms S193F.
Identifiers: ClinVar variation 4250555 (VCV004250555.1).